The following is an entry in ClinVar:

NM_014324.6(AMACR):c.643_644insC (p.Gly215fs)

Genes: AMACR (alpha-methylacyl-CoA racemase; minus strand), C1QTNF3-AMACR (C1QTNF3-AMACR readthrough (NMD candidate); minus strand). Cytogenetic location: 5p13.2.
Variant type: Insertion.
Coding change: c.643_644insC on transcript NM_014324.6 (MANE Select); coding-DNA positions 643 to 644, C inserted.
Protein change: p.Gly215fs; shifts the reading frame from glycine 215.
Molecular consequence: frameshift variant. On other transcripts: non-coding transcript variant (1).
Genome position: GRCh38 VCF-style: chr5-33998736-C-CG. GRCh37 (hg19) VCF-style: chr5-33998841-C-CG.
Other names: c.643_644insC, p.Gly215fs (NM_001167595.2); c.482_483insC, p.Trp161fs (NM_203382.3); short protein forms W161fs, G215fs.
Identifiers: ClinVar variation 3534565 (VCV003534565.1).

ClinVar aggregate classification (germline): Likely pathogenic (1 of 4 stars; one submission).

Conditions:
Inborn genetic diseases. Identifiers: MedGen C0950123, MeSH D030342.

Submission:

Ambry Genetics
Classification: Likely pathogenic for Inborn genetic diseases. Last evaluated: 2024-11-22. Review status: criteria provided, single submitter. Criteria: Ambry Variant Classification Scheme 2023. Collection method: clinical testing. Allele origin: germline.
Comment: The c.643_644insC (p.G215Afs*39) alteration, located in exon 4 (coding exon 4) of the AMACR gene, consists of an insertion of C at position 643, causing a translational frameshift with a predicted alternate stop codon after 39 amino acids. This alteration occurs at the 3' terminus of the AMACR gene, is not expected to trigger nonsense-mediated mRNA decay, and impacts the last 43% of the protein. However, premature stop codons are typically deleterious in nature and a significant portion of the protein is affected (Ambry internal data). This variant was not reported in population-based cohorts in the Genome Aggregation Database (gnomAD). Based on the available evidence, this alteration is classified as likely pathogenic.